The following is an entry in ClinVar:

NM_002386.4(MC1R):c.80C>A (p.Ala27Asp)

Gene: MC1R (melanocortin 1 receptor; plus strand). Cytogenetic location: 16q24.3.
Variant type: single nucleotide variant.
Coding change: c.80C>A on transcript NM_002386.4 (MANE Select); coding-DNA position 80, C replaced by A.
Protein change: p.Ala27Asp; replaces alanine 27 with aspartic acid.
Molecular consequence: missense variant.
Genome position (GRCh38, 1-based): chr16:89,919,338, C>A. VCF-style: chr16-89919338-C-A. GRCh37 (hg19) VCF-style: chr16-89985746-C-A.
Other names: short protein forms A27D.
Identifiers: ClinVar variation 4859669 (VCV004859669.1).

ClinVar aggregate classification (germline): Uncertain significance (1 of 4 stars; one submission).

Submission:

Ambry Genetics
Classification: Uncertain significance. Last evaluated: 2026-05-17. Review status: criteria provided, single submitter. Criteria: Ambry Variant Classification Scheme 2023. Collection method: clinical testing. Allele origin: germline.
Comment: The p.A27D variant (also known as c.80C>A), located in coding exon 1 of the MC1R gene, results from a C to A substitution at nucleotide position 80. The alanine at codon 27 is replaced by aspartic acid, an amino acid with dissimilar properties. This amino acid position is conserved. In addition, this alteration is predicted to be tolerated by in silico analysis. Based on the available evidence, the clinical significance of this variant remains unclear.